The following is an entry in ClinVar:

NM_003737.4(DCHS1):c.5632C>T (p.Gln1878Ter)

Gene: DCHS1 (dachsous cadherin-related 1; minus strand). Cytogenetic location: 11p15.4.
Variant type: single nucleotide variant.
Coding change: c.5632C>T on transcript NM_003737.4 (MANE Select); coding-DNA position 5632, C replaced by T.
Protein change: p.Gln1878Ter; replaces glutamine 1878 with a stop codon.
Molecular consequence: nonsense.
Genome position (GRCh38, 1-based): chr11:6,627,407, G>A on the plus strand (C>T on the coding strand, the complement: DCHS1 is on the minus strand). VCF-style: chr11-6627407-G-A. GRCh37 (hg19) VCF-style: chr11-6648638-G-A.
Other names: short protein forms Q1878*.
Identifiers: ClinVar variation 2697356 (VCV002697356.3), dbSNP rs2493819327, ClinGen allele CA379393779.

ClinVar aggregate classification (germline): Pathogenic (1 of 4 stars; one submission).

Submission:

Labcorp Genetics (formerly Invitae), Labcorp
Classification: Pathogenic. Last evaluated: 2023-11-19. Review status: criteria provided, single submitter. Criteria: Invitae Variant Classification Sherloc (09022015). Collection method: clinical testing. Allele origin: germline.
Comment: This sequence change creates a premature translational stop signal (p.Gln1878*) in the DCHS1 gene. It is expected to result in an absent or disrupted protein product. Loss-of-function variants in DCHS1 are known to be pathogenic (PMID: 24056717, 26258302). This variant is not present in population databases (gnomAD no frequency). This variant has not been reported in the literature in individuals affected with DCHS1-related conditions. For these reasons, this variant has been classified as Pathogenic.

Literature cited by the submitters: PubMed 24056717; PubMed 26258302.